The following is an entry in ClinVar:

ClinVar aggregate classification (germline): Uncertain significance (1 of 4 stars; one submission).

Conditions:
Hereditary cancer-predisposing syndrome. Also called: Neoplastic Syndromes, Hereditary; Tumor predisposition; Hereditary neoplastic syndrome; Hereditary Cancer Syndrome. Identifiers: Orphanet 140162, MedGen C0027672, MeSH D009386, MONDO:0015356.

gnomAD v4.1: 1 of 1,614,028 alleles (0.000062%); highest among the groups gnomAD compares: Non-Finnish European, 0.000085%; no homozygotes.

Submission:

Ambry Genetics
Classification: Uncertain significance for Hereditary cancer-predisposing syndrome. Last evaluated: 2026-07-06. Review status: criteria provided, single submitter. Criteria: Ambry Variant Classification Scheme 2023. Collection method: clinical testing. Allele origin: germline.
Comment: The p.V1180A variant (also known as c.3539T>C), located in coding exon 17 of the BLM gene, results from a T to C substitution at nucleotide position 3539. The valine at codon 1180 is replaced by alanine, an amino acid with similar properties. This amino acid position is conserved. In addition, this alteration is predicted to be tolerated by in silico analysis. Based on the available evidence, the clinical significance of this variant remains unclear.

NM_000057.4(BLM):c.3539T>C (p.Val1180Ala)

Gene: BLM (BLM RecQ like helicase; plus strand). Cytogenetic location: 15q26.1.
Variant type: single nucleotide variant.
Coding change: c.3539T>C on transcript NM_000057.4 (MANE Select); coding-DNA position 3539, T replaced by C.
Protein change: p.Val1180Ala; replaces valine 1180 with alanine.
Molecular consequence: missense variant. On other transcripts: intron variant (1).
Genome position (GRCh38, 1-based): chr15:90,803,701, T>C. VCF-style: chr15-90803701-T-C. GRCh37 (hg19) VCF-style: chr15-91346931-T-C.
Other names: c.3539T>C, p.Val1180Ala (NM_001287246.2); c.2414T>C, p.Val805Ala (NM_001287248.2); c.3358+5364T>C (NM_001287247.2); short protein forms V805A, V1180A.
Identifiers: ClinVar variation 5032886 (VCV005032886.1).
Genomic context (GRCh38, chr15:90,803,701, plus strand): 5'-ATATCAATGCCAATGACCAGGCGATCGCTTATGTGATGCTCGGAAATAAAGCCCAAACTG[T>C]ACTAAATGGCAATTTAAAGGTATAGTATTTTTCATGTTTATTTTATTATCTCACAATGAG-3'
Protein context (NP_000048.1, residues 1170-1190): YVMLGNKAQT[Val1180Ala]LNGNLKVDFM